The following is an entry in ClinVar:

ClinVar aggregate classification (germline): Benign (1 of 4 stars; one submission).

Conditions:
Familial adenomatous polyposis 1 (FAP1). Also called: POLYPOSIS, ADENOMATOUS INTESTINAL; FAMILIAL ADENOMATOUS POLYPOSIS 1, ATTENUATED. Identifiers: MedGen C2713442, MONDO:0021056, OMIM 175100. Disease mechanism: loss of function.

Submission:

Myriad Genetics, Inc.
Classification: Benign for Familial adenomatous polyposis 1. Last evaluated: 2024-03-27. Review status: criteria provided, single submitter. Criteria: Myriad Autosomal Dominant, Autosomal Recessive and X-Linked Classification Criteria (2023). Collection method: clinical testing. Allele origin: unknown.
Comment: This variant is considered benign. This variant is a silent/synonymous amino acid change and it is not expected to impact splicing.

NM_000038.6(APC):c.4542A>T (p.Pro1514=)

Gene: APC (APC regulator of Wnt signaling pathway; plus strand). Cytogenetic location: 5q22.2.
Variant type: single nucleotide variant.
Coding change: c.4542A>T on transcript NM_000038.6 (MANE Select); coding-DNA position 4542, A replaced by T.
Protein change: p.Pro1514=; no amino-acid change (proline 1514 retained).
Molecular consequence: synonymous variant. On other transcripts: non-coding transcript variant (2).
Genome position (GRCh38, 1-based): chr5:112,840,136, A>T. VCF-style: chr5-112840136-A-T. GRCh37 (hg19) VCF-style: chr5-112175833-A-T.
Other names: c.4542A>T, p.Pro1514= (NM_001127510.3, NM_001354895.2, NM_001407450.1); c.4488A>T, p.Pro1496= (NM_001127511.3); c.4596A>T, p.Pro1532= (NM_001354896.2, NM_001407447.1, NM_001407448.1 and 1 more transcripts); c.4572A>T, p.Pro1524= (NM_001354897.2); c.4467A>T, p.Pro1489= (NM_001354898.2); c.4458A>T, p.Pro1486= (NM_001354899.2); c.4419A>T, p.Pro1473= (NM_001354900.2); c.4365A>T, p.Pro1455= (NM_001354901.2, NM_001407453.1); and 11 more.
Identifiers: ClinVar variation 3148298 (VCV003148298.1), dbSNP rs1459239401, ClinGen allele CA446206576.